The following is an entry in ClinVar:

ClinVar aggregate classification (germline): Likely benign. Review status: criteria provided, multiple submitters, no conflicts (2 of 4 stars). 2 submissions from 2 submitters: Likely benign (2). Last evaluated 2025-12-03.

Conditions:
Developmental and epileptic encephalopathy, 11 (DEE11). Also called: Early infantile epileptic encephalopathy 11. Identifiers: Orphanet 1934, MedGen C3150987, MONDO:0013388, OMIM 613721.
Seizures, benign familial infantile, 3 (BFIS3). Also called: Familial neonatal seizures; CONVULSIONS, BENIGN FAMILIAL INFANTILE, 3. Identifiers: Orphanet 140927, Orphanet 306, MedGen C1843140, MONDO:0011904, OMIM 607745.

Allele frequency attached by ClinVar (database versions not stated): gnomAD 0.00001 and 0.00004; TOPMed 0.00001; gnomAD exomes 0.00006 and 0.00013; ExAC 0.00012; 1000 Genomes Project 0.00060; 1000 Genomes Project 30x 0.00062.
gnomAD v4.1: 92 of 1,614,152 alleles (0.0057%); highest among the groups gnomAD compares: South Asian, 0.097%; no homozygotes.

Submissions (2):

Labcorp Genetics (formerly Invitae), Labcorp
Classification: Likely benign for Seizures, benign familial infantile, 3; Developmental and epileptic encephalopathy, 11. Last evaluated: 2025-12-03. Review status: criteria provided, single submitter. Criteria: Invitae Variant Classification Sherloc (09022015). Collection method: clinical testing. Allele origin: germline.

CeGaT Center for Human Genetics Tuebingen
Classification: Likely benign. Last evaluated: 2023-12-01. Review status: criteria provided, single submitter. Criteria: CeGaT Center For Human Genetics Tuebingen Variant Classification Criteria Version 2. Collection method: clinical testing. Allele origin: germline. Affected: yes. Observed: 2 variant alleles.
Comment: SCN2A: BP4, BP7

NM_001040142.2(SCN2A):c.3735T>C (p.Ala1245=)

Gene: SCN2A (sodium voltage-gated channel alpha subunit 2; plus strand). Cytogenetic location: 2q24.3.
Variant type: single nucleotide variant.
Coding change: c.3735T>C on transcript NM_001040142.2 (MANE Select); coding-DNA position 3735, T replaced by C.
Protein change: p.Ala1245=; no amino-acid change (alanine 1245 retained).
Molecular consequence: synonymous variant.
Genome position (GRCh38, 1-based): chr2:165,370,185, T>C. VCF-style: chr2-165370185-T-C. GRCh37 (hg19) VCF-style: chr2-166226695-T-C.
Other names: c.3735T>C, p.Ala1245= (NM_001040143.2, NM_001371246.1, NM_001371247.1 and 1 more transcripts).
Identifiers: ClinVar variation 331733 (VCV000331733.39), dbSNP rs527970192, ClinGen allele CA1940168.